The following is an entry in ClinVar:

NM_001048174.2(MUTYH):c.1493A>C (p.Gln498Pro)

Gene: MUTYH (mutY DNA glycosylase; minus strand). Cytogenetic location: 1p34.1.
Variant type: single nucleotide variant.
Coding change: c.1493A>C on transcript NM_001048174.2 (MANE Select); coding-DNA position 1493, A replaced by C.
Protein change: p.Gln498Pro; replaces glutamine 498 with proline.
Molecular consequence: missense variant. On other transcripts: non-coding transcript variant (7).
Genome position (GRCh38, 1-based): chr1:45,329,379, T>G on the plus strand (A>C on the coding strand, the complement: MUTYH is on the minus strand). VCF-style: chr1-45329379-T-G. GRCh37 (hg19) VCF-style: chr1-45795051-T-G.
Other names: c.1493A>C, p.Gln498Pro (NM_001048171.2, NM_001048173.2, NM_001293195.2 and 6 more transcripts); c.1496A>C, p.Gln499Pro (NM_001048172.2, NM_001407071.1, NM_001407086.1 and 1 more transcripts); c.1577A>C, p.Gln526Pro (NM_001128425.2); c.1538A>C, p.Gln513Pro (NM_001293190.2); c.1526A>C, p.Gln509Pro (NM_001293191.2, NM_001407069.1, NM_001407077.1); c.1217A>C, p.Gln406Pro (NM_001293192.2, NM_001293196.2, NM_001407091.1); c.1148A>C, p.Gln383Pro (NM_001350650.2, NM_001350651.2, NM_001407082.1); c.1535A>C, p.Gln512Pro (NM_001407085.1, NM_001407083.1); and 5 more; short protein forms Q484P, Q505P, Q509P, Q523P, Q383P, Q470P, Q499P, Q526P.
Identifiers: ClinVar variation 4113386 (VCV004113386.1).

ClinVar aggregate classification (germline): Uncertain significance (1 of 4 stars; one submission).

Conditions:
Hereditary cancer-predisposing syndrome. Also called: Tumor predisposition; Neoplastic Syndromes, Hereditary; Hereditary neoplastic syndrome; Hereditary Cancer Syndrome. Identifiers: Orphanet 140162, MedGen C0027672, MeSH D009386, MONDO:0015356.

Submission:

Ambry Genetics
Classification: Uncertain significance for Hereditary cancer-predisposing syndrome. Last evaluated: 2025-08-27. Review status: criteria provided, single submitter. Criteria: Ambry Variant Classification Scheme 2023. Collection method: clinical testing. Allele origin: germline.
Comment: The p.Q526P variant (also known as c.1577A>C), located in coding exon 16 of the MUTYH gene, results from an A to C substitution at nucleotide position 1577. The glutamine at codon 526 is replaced by proline, an amino acid with similar properties. This amino acid position is conserved. In addition, this alteration is predicted to be deleterious by in silico analysis. Based on the available evidence, the clinical significance of this variant remains unclear.